The following is an entry in ClinVar:

NM_001375567.1(FOCAD):c.1193A>G (p.Gln398Arg)

Gene: FOCAD (focadhesin; plus strand). Cytogenetic location: 9p21.3.
Variant type: single nucleotide variant.
Coding change: c.1193A>G on transcript NM_001375567.1 (MANE Select); coding-DNA position 1193, A replaced by G.
Protein change: p.Gln398Arg; replaces glutamine 398 with arginine.
Molecular consequence: missense variant.
Genome position (GRCh38, 1-based): chr9:20,781,925, A>G. VCF-style: chr9-20781925-A-G. GRCh37 (hg19) VCF-style: chr9-20781924-A-G.
Other names: c.1193A>G, p.Gln398Arg (NM_001375568.1, NM_017794.5); c.1088A>G, p.Gln363Arg (NM_001375570.1); short protein forms Q363R, Q398R.
Identifiers: ClinVar variation 2709507 (VCV002709507.3), dbSNP rs2490099493, ClinGen allele CA373044459.

ClinVar aggregate classification (germline): Uncertain significance (1 of 4 stars; one submission).

Allele frequency attached by ClinVar (database versions not stated): gnomAD exomes below 0.00001.
gnomAD v4.1: 1 of 1,613,348 alleles (0.000062%); highest among the groups gnomAD compares: Non-Finnish European, 0.000085%; no homozygotes.

Submission:

Labcorp Genetics (formerly Invitae), Labcorp
Classification: Uncertain significance. Last evaluated: 2024-01-16. Review status: criteria provided, single submitter. Criteria: Invitae Variant Classification Sherloc (09022015). Collection method: clinical testing. Allele origin: germline.
Comment: This sequence change replaces glutamine, which is neutral and polar, with arginine, which is basic and polar, at codon 398 of the FOCAD protein (p.Gln398Arg). This variant is not present in population databases (gnomAD no frequency). This variant has not been reported in the literature in individuals affected with FOCAD-related conditions. Algorithms developed to predict the effect of missense changes on protein structure and function output the following: SIFT: "Not Available"; PolyPhen-2: "Not Available"; Align-GVGD: "Not Available". The arginine amino acid residue is found in multiple mammalian species, which suggests that this missense change does not adversely affect protein function. In summary, the available evidence is currently insufficient to determine the role of this variant in disease. Therefore, it has been classified as a Variant of Uncertain Significance.